The following is an entry in ClinVar:

ClinVar aggregate classification (germline): Conflicting classifications of pathogenicity. Review status: criteria provided, conflicting classifications (1 of 4 stars). 2 submissions from 2 submitters: Uncertain significance (1); Likely benign (1). Last evaluated 2022-02-28.

Conditions:
Neurofibromatosis, type 1 (NF1). Also called: VON RECKLINGHAUSEN DISEASE; NEUROFIBROMATOSIS, TYPE I, SOMATIC; Peripheral type neurofibromatosis; Neurofibromatosis, type I. Identifiers: Orphanet 636, MedGen C0027831, MONDO:0018975, OMIM 162200. Disease mechanism: loss of function.

Allele frequency attached by ClinVar (database versions not stated): gnomAD 0.00001.
gnomAD v4.1: 1 of 1,613,754 alleles (0.000062%); highest among the groups gnomAD compares: Admixed American, 0.0017%; no homozygotes.

Submissions (2):

Labcorp Genetics (formerly Invitae), Labcorp
Classification: Uncertain significance for Neurofibromatosis, type 1. Last evaluated: 2022-02-28. Review status: criteria provided, single submitter. Criteria: Invitae Variant Classification Sherloc (09022015). Collection method: clinical testing. Allele origin: germline.
Comment: In summary, the available evidence is currently insufficient to determine the role of this variant in disease. Therefore, it has been classified as a Variant of Uncertain Significance. Variants that disrupt the consensus splice site are a relatively common cause of aberrant splicing (PMID: 17576681, 9536098). Algorithms developed to predict the effect of sequence changes on RNA splicing suggest that this variant is not likely to affect RNA splicing. ClinVar contains an entry for this variant (Variation ID: 561852). This variant has not been reported in the literature in individuals affected with NF1-related conditions. This variant is not present in population databases (gnomAD no frequency). This sequence change falls in intron 4 of the NF1 gene. It does not directly change the encoded amino acid sequence of the NF1 protein. It affects a nucleotide within the consensus splice site.

GeneDx
Classification: Likely benign. Last evaluated: 2018-05-18. Review status: criteria provided, single submitter. Criteria: GeneDx Variant Classification (06012015). Collection method: clinical testing. Allele origin: germline. Affected: yes.
Comment: This variant is considered likely benign or benign based on one or more of the following criteria: it is a conservative change, it occurs at a poorly conserved position in the protein, it is predicted to be benign by multiple in silico algorithms, and/or has population frequency not consistent with disease.

Literature cited by the submitters: PubMed 17576681 (cited by Labcorp Genetics (formerly Invitae), Labcorp); PubMed 9536098 (cited by Labcorp Genetics (formerly Invitae), Labcorp).

NM_001042492.3(NF1):c.479+4A>G

Gene: NF1 (neurofibromin 1; plus strand). Cytogenetic location: 17q11.2.
Variant type: single nucleotide variant.
Coding change: c.479+4A>G on transcript NM_001042492.3 (MANE Select); 4 bases into the intron after coding-DNA position 479, A replaced by G.
Molecular consequence: intron variant.
Genome position (GRCh38, 1-based): chr17:31,163,380, A>G. VCF-style: chr17-31163380-A-G. GRCh37 (hg19) VCF-style: chr17-29490398-A-G.
Other names: c.479+4A>G (NM_000267.4, NM_001128147.3).
Identifiers: ClinVar variation 561852 (VCV000561852.3), dbSNP rs1567818032, ClinGen allele CA658824892.
Genomic context (GRCh38, chr17:31,163,380, plus strand): 5'-TTTATTTTCTCTCAGCTGCAACAACTTCAATGCAGTCTTTAGTCGCATTTCTACCAGGTT[A>G]GTGTGTAAATCCACATGGGACTACTGAAGTAATATGAATATTAGAAGTTTTGTTTTTTGT-3'